The following is an entry in ClinVar:

ClinVar aggregate classification (germline): Uncertain significance. Review status: criteria provided, multiple submitters, no conflicts (2 of 4 stars). 2 submissions from 2 submitters: Uncertain significance (2). Last evaluated 2025-06-06.

Allele frequency attached by ClinVar (database versions not stated): TOPMed 0.00002; ExAC 0.00003; gnomAD exomes 0.00003; gnomAD 0.00004.
gnomAD v4.1: 56 of 1,613,860 alleles (0.0035%); highest among the groups gnomAD compares: Admixed American, 0.005%; no homozygotes.

Submissions (2):

Ambry Genetics
Classification: Uncertain significance. Last evaluated: 2025-06-06. Review status: criteria provided, single submitter. Criteria: Ambry Variant Classification Scheme 2023. Collection method: clinical testing. Allele origin: germline.

Labcorp Genetics (formerly Invitae), Labcorp
Classification: Uncertain significance. Last evaluated: 2023-10-13. Review status: criteria provided, single submitter. Criteria: Invitae Variant Classification Sherloc (09022015). Collection method: clinical testing. Allele origin: germline.
Comment: This sequence change replaces asparagine, which is neutral and polar, with serine, which is neutral and polar, at codon 1102 of the NPAT protein (p.Asn1102Ser). This variant is present in population databases (rs774947305, gnomAD 0.01%). This variant has not been reported in the literature in individuals affected with NPAT-related conditions. ClinVar contains an entry for this variant (Variation ID: 2496692). Algorithms developed to predict the effect of missense changes on protein structure and function output the following: SIFT: "Not Available"; PolyPhen-2: "Benign"; Align-GVGD: "Not Available". The serine amino acid residue is found in multiple mammalian species, which suggests that this missense change does not adversely affect protein function. In summary, the available evidence is currently insufficient to determine the role of this variant in disease. Therefore, it has been classified as a Variant of Uncertain Significance.

NM_002519.3(NPAT):c.3305A>G (p.Asn1102Ser)

Gene: NPAT (nuclear protein, coactivator of histone transcription; minus strand). Cytogenetic location: 11q22.3.
Variant type: single nucleotide variant.
Coding change: c.3305A>G on transcript NM_002519.3 (MANE Select); coding-DNA position 3305, A replaced by G.
Protein change: p.Asn1102Ser; replaces asparagine 1102 with serine.
Molecular consequence: missense variant.
Genome position (GRCh38, 1-based): chr11:108,161,781, T>C on the plus strand (A>G on the coding strand, the complement: NPAT is on the minus strand). VCF-style: chr11-108161781-T-C. GRCh37 (hg19) VCF-style: chr11-108032508-T-C.
Other names: c.3326A>G, p.Asn1109Ser (NM_001321307.1); short protein forms N1109S, N1102S.
Identifiers: ClinVar variation 2496692 (VCV002496692.6), dbSNP rs774947305, ClinGen allele CA6263603.
Genomic context (GRCh38, chr11:108,161,781, plus strand): 5'-GGCTTCTCTTTCTCTCTTTTGATAGCATTATTAGAAGGGGGTTTTAAGGTGGAGGACACA[T>C]TGGGTGAGTCAAGATTAGGAAAAGAGACTGCATTCCTTTCTTTGTTTTGGGACACCATCT-3'
Protein context (NP_002510.2, residues 1092-1112): AVSFPNLDSP[Asn1102Ser]VSSTLKPPSN